The following is an entry in ClinVar:

NM_000051.4(ATM):c.3075T>G (p.Phe1025Leu)

Gene: ATM (ATM serine/threonine kinase; plus strand). Cytogenetic location: 11q22.3.
Variant type: single nucleotide variant.
Coding change: c.3075T>G on transcript NM_000051.4 (MANE Select); coding-DNA position 3075, T replaced by G.
Protein change: p.Phe1025Leu; replaces phenylalanine 1025 with leucine.
Molecular consequence: missense variant.
Genome position (GRCh38, 1-based): chr11:108,271,404, T>G. VCF-style: chr11-108271404-T-G. GRCh37 (hg19) VCF-style: chr11-108142131-T-G.
Other names: c.3075T>G, p.Phe1025Leu (NM_001351834.2); short protein forms F1025L.
Identifiers: ClinVar variation 639764 (VCV000639764.6), dbSNP rs1591604883, ClinGen allele CA382547708.

ClinVar aggregate classification (germline): Uncertain significance (1 of 4 stars; one submission).

Conditions:
Ataxia-telangiectasia syndrome (AT). Also called: Ataxia-telangiectasia, complementation group D; AT, COMPLEMENTATION GROUP C; Ataxia-telangiectasia; ATAXIA-TELANGIECTASIA, COMPLEMENTATION GROUP A; ATAXIA-TELANGIECTASIA, FRESNO VARIANT; LOUIS-BAR SYNDROME. Identifiers: Orphanet 100, MedGen C0004135, MONDO:0008840, OMIM 208900.

Submission:

Labcorp Genetics (formerly Invitae), Labcorp
Classification: Uncertain significance for Ataxia-telangiectasia syndrome. Last evaluated: 2021-09-01. Review status: criteria provided, single submitter. Criteria: Invitae Variant Classification Sherloc (09022015). Collection method: clinical testing. Allele origin: germline.
Comment: This sequence change replaces phenylalanine with leucine at codon 1025 of the ATM protein (p.Phe1025Leu). The phenylalanine residue is highly conserved and there is a small physicochemical difference between phenylalanine and leucine. This variant is not present in population databases (ExAC no frequency). This variant has not been reported in the literature in individuals affected with ATM-related conditions. Algorithms developed to predict the effect of missense changes on protein structure and function are either unavailable or do not agree on the potential impact of this missense change (SIFT: "Tolerated"; PolyPhen-2: "Probably Damaging"; Align-GVGD: "Class C0"). In summary, the available evidence is currently insufficient to determine the role of this variant in disease. Therefore, it has been classified as a Variant of Uncertain Significance.